The following is an entry in ClinVar:

NM_018012.4(KIF26B):c.4011C>T (p.Pro1337=)

Gene: KIF26B (kinesin family member 26B; plus strand). Cytogenetic location: 1q44.
Variant type: single nucleotide variant.
Coding change: c.4011C>T on transcript NM_018012.4 (MANE Select); coding-DNA position 4011, C replaced by T.
Protein change: p.Pro1337=; no amino-acid change (proline 1337 retained).
Molecular consequence: synonymous variant.
Genome position (GRCh38, 1-based): chr1:245,686,994, C>T. VCF-style: chr1-245686994-C-T. GRCh37 (hg19) VCF-style: chr1-245850296-C-T.
Identifiers: ClinVar variation 713338 (VCV000713338.29), dbSNP rs114792430, ClinGen allele CA1488377.

ClinVar aggregate classification (germline): Benign/Likely benign. Review status: criteria provided, multiple submitters, no conflicts (2 of 4 stars). 4 submissions from 4 submitters: Benign (2); Likely benign (1). 1 of the submissions does not count toward it. Last evaluated 2023-07-01.

Conditions:
KIF26B-related disorder. Also called: KIF26B-related condition.

Allele frequency attached by ClinVar (database versions not stated): 1000 Genomes Project 30x 0.00219; 1000 Genomes Project 0.00240; TOPMed 0.00401; ESP Exome Variant Server 0.00438; gnomAD 0.00494.
gnomAD v4.1: 10,331 of 1,613,544 alleles (0.64%); highest among the groups gnomAD compares: Non-Finnish European, 0.78%; 52 homozygotes.

Submissions (4):

CeGaT Center for Human Genetics Tuebingen
Classification: Likely benign. Last evaluated: 2023-07-01. Review status: criteria provided, single submitter. Criteria: CeGaT Center For Human Genetics Tuebingen Variant Classification Criteria Version 2. Collection method: clinical testing. Allele origin: germline. Affected: yes. Observed: 2 variant alleles.
Comment: KIF26B: BP4, BP7, BS2

Labcorp Genetics (formerly Invitae), Labcorp
Classification: Benign. Last evaluated: 2019-01-01. Review status: criteria provided, single submitter. Criteria: Invitae Variant Classification Sherloc (09022015). Collection method: clinical testing. Allele origin: germline.

Breakthrough Genomics
Classification: Benign. Review status: criteria provided, single submitter. Criteria: ACMG Guidelines, 2015. Collection method: not provided. Allele origin: germline. Inheritance: Unknown mechanism. Affected: yes.

PreventionGenetics, part of Exact Sciences
Classification: Benign for KIF26B-related condition. Last evaluated: 2019-06-10. Review status: no assertion criteria provided. Collection method: clinical testing. Allele origin: germline. Not counted in ClinVar's aggregate classification.
Comment: This variant is classified as benign based on ACMG/AMP sequence variant interpretation guidelines (Richards et al. 2015 PMID: 25741868, with internal and published modifications).